The following is an entry in ClinVar:

NM_032043.3(BRIP1):c.1553TTA[1] (p.Ile519del)

Gene: BRIP1 (BRCA1 interacting DNA helicase 1; minus strand). Cytogenetic location: 17q23.2.
Variant type: Microsatellite.
Coding change: c.1553TTA[1] on transcript NM_032043.3 (MANE Select); one copy of the 3-base unit TTA starting at c.1553; the reference has two copies in a row; one copy, 3 bases deleted.
Protein change: p.Ile519del; deletes isoleucine 519.
Molecular consequence: inframe deletion.
Genome position (GRCh38, 1-based): chr17:61,784,340-61,784,342, TAA deleted on the plus strand (TTA on the coding strand, the reverse complement: BRIP1 is on the minus strand); deleting any 3 consecutive bases within chr17:61,784,340-61,784,345 gives the same sequence; the position shown is the placement nearest the transcript's 3' end. VCF-style (leftmost placement, unchanged base first): chr17-61784339-CTAA-C. GRCh37 (hg19) VCF-style: chr17-59861700-CTAA-C.
Other names: short protein forms I519del.
Identifiers: ClinVar variation 819499 (VCV000819499.4), dbSNP rs1228125213, ClinGen allele CA773810141.

ClinVar aggregate classification (germline): Uncertain significance (1 of 4 stars; one submission).

Conditions:
Hereditary cancer-predisposing syndrome. Also called: Neoplastic Syndromes, Hereditary; Tumor predisposition; Hereditary Cancer Syndrome; Hereditary neoplastic syndrome. Identifiers: Orphanet 140162, MedGen C0027672, MeSH D009386, MONDO:0015356.

Submission:

Ambry Genetics
Classification: Uncertain significance for Hereditary cancer-predisposing syndrome. Last evaluated: 2017-12-19. Review status: criteria provided, single submitter. Criteria: Ambry Variant Classification Scheme 2023. Collection method: clinical testing. Allele origin: germline.
Comment: The c.1556_1558delTTA variant (also known as p.I519del) is located in coding exon 10 of the BRIP1 gene. This variant results from an in-frame TTA deletion at nucleotide positions 1556 to 1558. This results in the in-frame deletion of an isoleucine at codon 519. This amino acid position is not well conserved in available vertebrate species. Since supporting evidence is limited at this time, the clinical significance of this alteration remains unclear.